The following is an entry in ClinVar:

NM_000222.3(KIT):c.2827A>G (p.Ser943Gly)

Gene: KIT (KIT proto-oncogene, receptor tyrosine kinase; plus strand). Cytogenetic location: 4q12.
Variant type: single nucleotide variant.
Coding change: c.2827A>G on transcript NM_000222.3 (MANE Select); coding-DNA position 2827, A replaced by G.
Protein change: p.Ser943Gly; replaces serine 943 with glycine.
Molecular consequence: missense variant.
Genome position (GRCh38, 1-based): chr4:54,738,453, A>G. VCF-style: chr4-54738453-A-G. GRCh37 (hg19) VCF-style: chr4-55604619-A-G.
Other names: c.2815A>G, p.Ser939Gly (NM_001093772.2, NM_001385292.1); c.2830A>G, p.Ser944Gly (NM_001385284.1); c.2824A>G, p.Ser942Gly (NM_001385285.1); c.2812A>G, p.Ser938Gly (NM_001385286.1); c.2818A>G, p.Ser940Gly (NM_001385288.1); c.2827A>G, p.Ser943Gly (NM_001385290.1); short protein forms S939G, S943G, S938G, S940G, S942G, S944G.
Identifiers: ClinVar variation 663732 (VCV000663732.9), dbSNP rs756463331, ClinGen allele CA2923877.

ClinVar aggregate classification (germline): Uncertain significance (1 of 4 stars; one submission).

Conditions:
Gastrointestinal stromal tumor. Also called: Gastrointestinal stromal tumor, somatic; Gastrointestinal stroma tumor. Identifiers: Orphanet 44890, MedGen C0238198, MeSH D046152, MONDO:0011719, OMIM 606764, HP:0100723.

Allele frequency attached by ClinVar (database versions not stated): gnomAD 0.00001; TOPMed 0.00001.

Submission:

Labcorp Genetics (formerly Invitae), Labcorp
Classification: Uncertain significance for Gastrointestinal stromal tumor. Last evaluated: 2018-11-28. Review status: criteria provided, single submitter. Criteria: Invitae Variant Classification Sherloc (09022015). Collection method: clinical testing. Allele origin: germline.
Comment: This variant has not been reported in the literature in individuals with KIT-related conditions. In summary, the available evidence is currently insufficient to determine the role of this variant in disease. Therefore, it has been classified as a Variant of Uncertain Significance. Algorithms developed to predict the effect of missense changes on protein structure and function (SIFT, PolyPhen-2, Align-GVGD) all suggest that this variant is likely to be tolerated, but these predictions have not been confirmed by published functional studies and their clinical significance is uncertain. This variant is present in population databases (rs756463331, ExAC 0.006%). This sequence change replaces serine with glycine at codon 943 of the KIT protein (p.Ser943Gly). The serine residue is moderately conserved and there is a small physicochemical difference between serine and glycine.